The following is an entry in ClinVar:

NM_000452.3(SLC10A2):c.193C>T (p.Pro65Ser)

Gene: SLC10A2 (solute carrier family 10 member 2; minus strand). Cytogenetic location: 13q33.1.
Variant type: single nucleotide variant.
Coding change: c.193C>T on transcript NM_000452.3 (MANE Select); coding-DNA position 193, C replaced by T.
Protein change: p.Pro65Ser; replaces proline 65 with serine.
Molecular consequence: missense variant.
Genome position (GRCh38, 1-based): chr13:103,066,057, G>A on the plus strand (C>T on the coding strand, the complement: SLC10A2 is on the minus strand). VCF-style: chr13-103066057-G-A. GRCh37 (hg19) VCF-style: chr13-103718407-G-A.
Other names: short protein forms P65S.
Identifiers: ClinVar variation 2888587 (VCV002888587.3), dbSNP rs1452117968, ClinGen allele CA388609304.

ClinVar aggregate classification (germline): Uncertain significance (1 of 4 stars; one submission).

Allele frequency attached by ClinVar (database versions not stated): gnomAD 0.00001; gnomAD exomes 0.00001; TOPMed 0.00001.

Submission:

Labcorp Genetics (formerly Invitae), Labcorp
Classification: Uncertain significance. Last evaluated: 2024-07-31. Review status: criteria provided, single submitter. Criteria: Invitae Variant Classification Sherloc (09022015). Collection method: clinical testing. Allele origin: germline.
Comment: This sequence change replaces proline, which is neutral and non-polar, with serine, which is neutral and polar, at codon 65 of the SLC10A2 protein (p.Pro65Ser). This variant is present in population databases (no rsID available, gnomAD 0.002%). This variant has not been reported in the literature in individuals affected with SLC10A2-related conditions. Advanced modeling of protein sequence and biophysical properties (such as structural, functional, and spatial information, amino acid conservation, physicochemical variation, residue mobility, and thermodynamic stability) performed at Invitae indicates that this missense variant is expected to disrupt SLC10A2 protein function with a positive predictive value of 80%. In summary, the available evidence is currently insufficient to determine the role of this variant in disease. Therefore, it has been classified as a Variant of Uncertain Significance.